The following is an entry in ClinVar:

NM_003000.3(SDHB):c.542A>G (p.Asp181Gly)

Gene: SDHB (succinate dehydrogenase complex iron sulfur subunit B; minus strand). Cytogenetic location: 1p36.13.
Variant type: single nucleotide variant.
Coding change: c.542A>G on transcript NM_003000.3 (MANE Select); coding-DNA position 542, A replaced by G.
Protein change: p.Asp181Gly; replaces aspartic acid 181 with glycine.
Molecular consequence: missense variant.
Genome position (GRCh38, 1-based): chr1:17,024,073, T>C on the plus strand (A>G on the coding strand, the complement: SDHB is on the minus strand). VCF-style: chr1-17024073-T-C. GRCh37 (hg19) VCF-style: chr1-17350568-T-C.
Other names: c.488A>G, p.Asp163Gly (NM_001407361.1); short protein forms D163G, D181G.
Identifiers: ClinVar variation 3363740 (VCV003363740.2).

ClinVar aggregate classification (germline): Uncertain significance. Review status: criteria provided, multiple submitters, no conflicts (2 of 4 stars). 2 submissions from 2 submitters: Uncertain significance (2). Last evaluated 2026-05-07.

Conditions:
Hereditary cancer-predisposing syndrome. Also called: Neoplastic Syndromes, Hereditary; Tumor predisposition; Hereditary Cancer Syndrome; Hereditary neoplastic syndrome. Identifiers: Orphanet 140162, MedGen C0027672, MeSH D009386, MONDO:0015356.

Submissions (2):

Ambry Genetics
Classification: Uncertain significance for Hereditary cancer-predisposing syndrome. Last evaluated: 2026-05-07. Review status: criteria provided, single submitter. Criteria: Ambry Variant Classification Scheme 2023. Collection method: clinical testing. Allele origin: germline.
Comment: The p.D181G variant (also known as c.542A>G), located in coding exon 6 of the SDHB gene, results from an A to G substitution at nucleotide position 542. The aspartic acid at codon 181 is replaced by glycine, an amino acid with similar properties. This amino acid position is highly conserved in available vertebrate species. In addition, this alteration is predicted to be deleterious by in silico analysis. Based on the available evidence, the clinical significance of this variant remains unclear.

GeneDx
Classification: Uncertain significance. Last evaluated: 2023-10-30. Review status: criteria provided, single submitter. Criteria: GeneDx Variant Classification Process June 2021. Collection method: clinical testing. Allele origin: germline. Affected: yes.
Comment: Not observed at significant frequency in large population cohorts (gnomAD); In silico analysis supports that this missense variant has a deleterious effect on protein structure/function; Has not been previously published as pathogenic or benign to our knowledge